The following is an entry in ClinVar:

NM_201253.3(CRB1):c.1687A>G (p.Ser563Gly)

Gene: CRB1 (crumbs cell polarity complex component 1; plus strand). Cytogenetic location: 1q31.3.
Variant type: single nucleotide variant.
Coding change: c.1687A>G on transcript NM_201253.3 (MANE Select); coding-DNA position 1687, A replaced by G.
Protein change: p.Ser563Gly; replaces serine 563 with glycine.
Molecular consequence: missense variant. On other transcripts: non-coding transcript variant (2).
Genome position (GRCh38, 1-based): chr1:197,421,515, A>G. VCF-style: chr1-197421515-A-G. GRCh37 (hg19) VCF-style: chr1-197390645-A-G.
Other names: c.1351A>G, p.Ser451Gly (NM_001193640.2); c.1480A>G, p.Ser494Gly (NM_001257965.2); c.1687A>G, p.Ser563Gly (NM_001257966.2); short protein forms S494G, S563G, S451G.
Identifiers: ClinVar variation 1501954 (VCV001501954.5), dbSNP rs1193275021, ClinGen allele CA344032062.

ClinVar aggregate classification (germline): Uncertain significance (1 of 4 stars; one submission).

Conditions:
Leber congenital amaurosis 8 (LCA8). Identifiers: Orphanet 65, MedGen C3151202, MONDO:0013453, OMIM 613835.
Retinitis pigmentosa 12 (RP12). Also called: RP WITH OR WITHOUT PPRPE; RP WITH OR WITHOUT PRESERVED PARAARTERIOLE RETINAL PIGMENT EPITHELIUM; RETINITIS PIGMENTOSA WITH OR WITHOUT PARAARTERIOLAR PRESERVATION OF RETINAL PIGMENT EPITHELIUM. Identifiers: Orphanet 791, MedGen C1838647, MONDO:0010818, OMIM 600105.

Allele frequency attached by ClinVar (database versions not stated): gnomAD exomes below 0.00001.
gnomAD v4.1: 8 of 1,614,212 alleles (0.0005%); highest among the groups gnomAD compares: Non-Finnish European, 0.00059%; no homozygotes.

Submission:

Labcorp Genetics (formerly Invitae), Labcorp
Classification: Uncertain significance for Leber congenital amaurosis 8; Retinitis pigmentosa 12. Last evaluated: 2021-08-31. Review status: criteria provided, single submitter. Criteria: Invitae Variant Classification Sherloc (09022015). Collection method: clinical testing. Allele origin: germline.
Comment: This sequence change replaces serine with glycine at codon 563 of the CRB1 protein (p.Ser563Gly). The serine residue is highly conserved and there is a small physicochemical difference between serine and glycine. This variant is not present in population databases (ExAC no frequency). This missense change has been observed in individual(s) with fundus albipunctatus (PMID: 25412400). Algorithms developed to predict the effect of missense changes on protein structure and function (SIFT, PolyPhen-2, Align-GVGD) all suggest that this variant is likely to be disruptive. In summary, the available evidence is currently insufficient to determine the role of this variant in disease. Therefore, it has been classified as a Variant of Uncertain Significance.

Literature cited by the submitters: PubMed 25412400.